The following is an entry in ClinVar:

ClinVar aggregate classification (germline): Uncertain significance (1 of 4 stars; one submission).

Conditions:
ALG12-congenital disorder of glycosylation (CDG1G). Also called: CDG Ig; ALG12-CDG; Congenital disorder of glycosylation, type Ig. Identifiers: Orphanet 79324, MedGen C2931001, MONDO:0011783, OMIM 607143.

Allele frequency attached by ClinVar (database versions not stated): TOPMed below 0.00001; ExAC 0.00001; gnomAD 0.00001.
gnomAD v4.1: 27 of 1,614,126 alleles (0.0017%); highest among the groups gnomAD compares: Non-Finnish European, 0.0021%; no homozygotes.

Submission:

Labcorp Genetics (formerly Invitae), Labcorp
Classification: Uncertain significance for ALG12-congenital disorder of glycosylation. Last evaluated: 2026-01-12. Review status: criteria provided, single submitter. Criteria: Invitae Variant Classification Sherloc (09022015). Collection method: clinical testing. Allele origin: germline.
Comment: This sequence change replaces asparagine, which is neutral and polar, with histidine, which is basic and polar, at codon 246 of the ALG12 protein (p.Asn246His). This variant is present in population databases (rs773839225, gnomAD 0.003%). This variant has not been reported in the literature in individuals affected with ALG12-related conditions. ClinVar contains an entry for this variant (Variation ID: 2167367). Invitae Evidence Modeling of protein sequence and biophysical properties (such as structural, functional, and spatial information, amino acid conservation, physicochemical variation, residue mobility, and thermodynamic stability) indicates that this missense variant is expected to disrupt ALG12 protein function with a positive predictive value of 80%. In summary, the available evidence is currently insufficient to determine the role of this variant in disease. Therefore, it has been classified as a Variant of Uncertain Significance.

NM_024105.4(ALG12):c.736A>C (p.Asn246His)

Gene: ALG12 (ALG12 alpha-1,6-mannosyltransferase; minus strand). Cytogenetic location: 22q13.33.
Variant type: single nucleotide variant.
Coding change: c.736A>C on transcript NM_024105.4 (MANE Select); coding-DNA position 736, A replaced by C.
Protein change: p.Asn246His; replaces asparagine 246 with histidine.
Molecular consequence: missense variant.
Genome position (GRCh38, 1-based): chr22:49,909,276, T>G on the plus strand (A>C on the coding strand, the complement: ALG12 is on the minus strand). VCF-style: chr22-49909276-T-G. GRCh37 (hg19) VCF-style: chr22-50302924-T-G.
Other names: short protein forms N246H.
Identifiers: ClinVar variation 2167367 (VCV002167367.4), dbSNP rs773839225, ClinGen allele CA10300495.